The following is an entry in ClinVar:

NM_002076.4(GNS):c.1064G>T (p.Arg355Leu)

Gene: GNS (glucosamine (N-acetyl)-6-sulfatase; minus strand). Cytogenetic location: 12q14.3.
Variant type: single nucleotide variant.
Coding change: c.1064G>T on transcript NM_002076.4 (MANE Select); coding-DNA position 1064, G replaced by T.
Protein change: p.Arg355Leu; replaces arginine 355 with leucine.
Molecular consequence: missense variant.
Genome position (GRCh38, 1-based): chr12:64,737,038, C>A on the plus strand (G>T on the coding strand, the complement: GNS is on the minus strand). VCF-style: chr12-64737038-C-A. GRCh37 (hg19) VCF-style: chr12-65130818-C-A.
Other names: short protein forms R355L.
Identifiers: ClinVar variation 1199375 (VCV001199375.8), dbSNP rs751200375, ClinGen allele CA385605784.

ClinVar aggregate classification (germline): Uncertain significance. Review status: criteria provided, multiple submitters, no conflicts (2 of 4 stars). 2 submissions from 2 submitters: Uncertain significance (2). Last evaluated 2022-09-13.

Conditions:
Mucopolysaccharidosis, MPS-III-D (MPS3D). Also called: N-ACETYLGLUCOSAMINE-6-SULFATASE DEFICIENCY; SANFILIPPO SYNDROME D; MPS III D; Mucopoly-saccharidosis type 3D; N-acetylglucosamine-6-sulfate sulfatase deficiency; MPS 3D. Identifiers: Orphanet 581, Orphanet 79272, MedGen C0086650, MONDO:0009658, OMIM 252940.

gnomAD v4.1: 1 of 1,601,852 alleles (0.000062%); highest among the groups gnomAD compares: Middle Eastern, 0.017%; no homozygotes.

Submissions (2):

Labcorp Genetics (formerly Invitae), Labcorp
Classification: Uncertain significance for Mucopolysaccharidosis, MPS-III-D. Last evaluated: 2022-09-13. Review status: criteria provided, single submitter. Criteria: Invitae Variant Classification Sherloc (09022015). Collection method: clinical testing. Allele origin: germline.
Comment: Advanced modeling of protein sequence and biophysical properties (such as structural, functional, and spatial information, amino acid conservation, physicochemical variation, residue mobility, and thermodynamic stability) performed at Invitae indicates that this missense variant is expected to disrupt GNS protein function. In summary, the available evidence is currently insufficient to determine the role of this variant in disease. Therefore, it has been classified as a Variant of Uncertain Significance. ClinVar contains an entry for this variant (Variation ID: 1199375). This variant has not been reported in the literature in individuals affected with GNS-related conditions. This variant is not present in population databases (gnomAD no frequency). This sequence change replaces arginine, which is basic and polar, with leucine, which is neutral and non-polar, at codon 355 of the GNS protein (p.Arg355Leu).

Genome-Nilou Lab
Classification: Uncertain significance for Mucopolysaccharidosis, MPS-III-D. Last evaluated: 2021-07-14. Review status: criteria provided, single submitter. Criteria: ACMG Guidelines, 2015. Collection method: clinical testing. Allele origin: germline. Affected: no.